The following is an entry in ClinVar:

ClinVar aggregate classification (germline): Likely pathogenic (1 of 4 stars; one submission).

Submission:

Labcorp Genetics (formerly Invitae), Labcorp
Classification: Likely pathogenic. Last evaluated: 2022-09-27. Review status: criteria provided, single submitter. Criteria: Invitae Variant Classification Sherloc (09022015). Collection method: clinical testing. Allele origin: germline.
Comment: This sequence change affects an acceptor splice site in intron 33 of the COL18A1 gene. It is expected to disrupt RNA splicing. Variants that disrupt the donor or acceptor splice site typically lead to a loss of protein function (PMID: 16199547), and loss-of-function variants in COL18A1 are known to be pathogenic (PMID: 12415512, 25456301). This variant is not present in population databases (gnomAD no frequency). This variant has not been reported in the literature in individuals affected with COL18A1-related conditions. ClinVar contains an entry for this variant (Variation ID: 1489699). Algorithms developed to predict the effect of sequence changes on RNA splicing suggest that this variant may disrupt the consensus splice site. In summary, the currently available evidence indicates that the variant is pathogenic, but additional data are needed to prove that conclusively. Therefore, this variant has been classified as Likely Pathogenic.

Literature cited by the submitters: PubMed 16199547; PubMed 12415512; PubMed 25456301.

NM_001379500.1(COL18A1):c.2728-2del

Genes: COL18A1 (collagen type XVIII alpha 1 chain; plus strand), SLC19A1 (solute carrier family 19 member 1; minus strand). Cytogenetic location: 21q22.3.
Variant type: Deletion.
Coding change: c.2728-2del on transcript NM_001379500.1 (MANE Select); the canonical splice acceptor site of the intron before coding-DNA position 2728, one base deleted (A; older notation c.2728-2delA).
Molecular consequence: splice acceptor variant.
Genome position (GRCh38, 1-based): chr21:45,504,414, A deleted. VCF-style (leftmost placement, unchanged base first): chr21-45504413-CA-C. GRCh37 (hg19) VCF-style: chr21-46924327-CA-C.
Other names: c.3973-2del (NM_130444.3); c.3268-2del (NM_030582.4).
Identifiers: ClinVar variation 1489699 (VCV001489699.8), dbSNP rs2146073581, ClinGen allele CA2573157794.